The following is an entry in ClinVar:

NM_000512.5(GALNS):c.1270G>A (p.Val424Ile)

Gene: GALNS (galactosamine (N-acetyl)-6-sulfatase; minus strand). Cytogenetic location: 16q24.3.
Variant type: single nucleotide variant.
Coding change: c.1270G>A on transcript NM_000512.5 (MANE Select); coding-DNA position 1270, G replaced by A.
Protein change: p.Val424Ile; replaces valine 424 with isoleucine.
Molecular consequence: missense variant.
Genome position (GRCh38, 1-based): chr16:88,822,683, C>T on the plus strand (G>A on the coding strand, the complement: GALNS is on the minus strand). VCF-style: chr16-88822683-C-T. GRCh37 (hg19) VCF-style: chr16-88889091-C-T.
Other names: p.Val424Ile; c.715G>A, p.Val239Ile (NM_001323543.2); c.1288G>A, p.Val430Ile (NM_001323544.2); short protein forms V430I, V239I, V424I.
Identifiers: ClinVar variation 1949105 (VCV001949105.5), dbSNP rs1369987725, ClinGen allele CA397096372.

ClinVar aggregate classification (germline): Uncertain significance. Review status: criteria provided, multiple submitters, no conflicts (2 of 4 stars). 2 submissions from 2 submitters: Uncertain significance (2). Last evaluated 2024-10-28.

Conditions:
Mucopolysaccharidosis, MPS-IV-A (MPS4A). Also called: Morquio syndrome A, mild; MORQUIO SYNDROME A; GALACTOSAMINE-6-SULFATASE DEFICIENCY; GALNS DEFICIENCY; MORQUIO A DISEASE; Mucopolysaccharidosis type IV A. Identifiers: Orphanet 309297, Orphanet 582, MedGen C0086651, MONDO:0009659, OMIM 253000.

Allele frequency attached by ClinVar (database versions not stated): gnomAD 0.00001; gnomAD exomes 0.00001; TOPMed 0.00001.
gnomAD v4.1: 15 of 1,612,890 alleles (0.00093%); highest among the groups gnomAD compares: Admixed American, 0.0017%; no homozygotes.

Submissions (2):

Labcorp Genetics (formerly Invitae), Labcorp
Classification: Uncertain significance for Mucopolysaccharidosis, MPS-IV-A. Last evaluated: 2024-10-28. Review status: criteria provided, single submitter. Criteria: Invitae Variant Classification Sherloc (09022015). Collection method: clinical testing. Allele origin: germline.
Comment: This sequence change replaces valine, which is neutral and non-polar, with isoleucine, which is neutral and non-polar, at codon 424 of the GALNS protein (p.Val424Ile). This variant is present in population databases (no rsID available, gnomAD 0.003%). This variant has not been reported in the literature in individuals affected with GALNS-related conditions. ClinVar contains an entry for this variant (Variation ID: 1949105). Invitae Evidence Modeling of protein sequence and biophysical properties (such as structural, functional, and spatial information, amino acid conservation, physicochemical variation, residue mobility, and thermodynamic stability) indicates that this missense variant is not expected to disrupt GALNS protein function with a negative predictive value of 95%. In summary, the available evidence is currently insufficient to determine the role of this variant in disease. Therefore, it has been classified as a Variant of Uncertain Significance.

Mayo Clinic Laboratories, Mayo Clinic
Classification: Uncertain significance. Last evaluated: 2023-06-01. Review status: criteria provided, single submitter. Criteria: ACMG Guidelines, 2015. Collection method: clinical testing. Allele origin: germline. Observed: 1 variant allele.
Comment: BP4, PM2